The following is an entry in ClinVar:

ClinVar aggregate classification (germline): Pathogenic (1 of 4 stars; one submission).

Conditions:
Glycogen storage disease type III (GSD3). Also called: Cori disease; FORBES DISEASE. Identifiers: Orphanet 366, MedGen C0017922, MONDO:0009291, OMIM 232400.

Submission:

Labcorp Genetics (formerly Invitae), Labcorp
Classification: Pathogenic for Glycogen storage disease type III. Last evaluated: 2023-07-14. Review status: criteria provided, single submitter. Criteria: Invitae Variant Classification Sherloc (09022015). Collection method: clinical testing. Allele origin: germline.
Comment: Algorithms developed to predict the effect of sequence changes on RNA splicing suggest that this variant may create or strengthen a splice site. ClinVar contains an entry for this variant (Variation ID: 526569). This variant has not been reported in the literature in individuals affected with AGL-related conditions. This variant is not present in population databases (gnomAD no frequency). This sequence change creates a premature translational stop signal (p.Phe313Leufs*12) in the AGL gene. It is expected to result in an absent or disrupted protein product. Loss-of-function variants in AGL are known to be pathogenic (PMID: 19299494). For these reasons, this variant has been classified as Pathogenic.

Literature cited by the submitters: PubMed 19299494.

NM_000642.3(AGL):c.939del (p.Phe313fs)

Gene: AGL (amylo-alpha-1,6-glucosidase and 4-alpha-glucanotransferase; plus strand). Cytogenetic location: 1p21.2.
Variant type: Deletion.
Coding change: c.939del on transcript NM_000642.3 (MANE Select); coding-DNA position 939, one base deleted (T; older notation c.939delT).
Protein change: p.Phe313fs; shifts the reading frame from phenylalanine 313.
Molecular consequence: frameshift variant.
Genome position (GRCh38, 1-based): chr1:99,870,850, T deleted; the last of 3 consecutive T bases (chr1:99,870,848-99,870,850); deleting any one gives the same sequence. VCF-style (leftmost placement, unchanged base first): chr1-99870847-AT-A. GRCh37 (hg19) VCF-style: chr1-100336403-AT-A.
Other names: c.939delT, p.Phe313Leufs (NM_000028.3, NM_000643.3, NM_000644.3 and 3 more transcripts); c.891delT, p.Phe297Leufs (NM_000646.3); c.735delT, p.Phe245Leufs (NM_001425329.1, NM_001425328.1); c.561delT, p.Phe187Leufs (NM_001425332.1); c.939del (NM_000642.2); short protein forms F313fs, F297fs.
Identifiers: ClinVar variation 526569 (VCV000526569.9), dbSNP rs760589837, ClinGen allele CA966314.